The following is an entry in ClinVar:

NM_000059.4(BRCA2):c.1325C>G (p.Ser442Ter)

Gene: BRCA2 (BRCA2 DNA repair associated; plus strand). Cytogenetic location: 13q13.1.
Variant type: single nucleotide variant.
Coding change: c.1325C>G on transcript NM_000059.4 (MANE Select); coding-DNA position 1325, C replaced by G.
Protein change: p.Ser442Ter; replaces serine 442 with a stop codon.
Molecular consequence: nonsense.
Genome position (GRCh38, 1-based): chr13:32,332,803, C>G. VCF-style: chr13-32332803-C-G. GRCh37 (hg19) VCF-style: chr13-32906940-C-G.
Other names: short protein forms S442*.
Identifiers: ClinVar variation 254492 (VCV000254492.20), dbSNP rs80358421, ClinGen allele CA10586495.

ClinVar aggregate classification (germline): Pathogenic. Review status: reviewed by expert panel (3 of 4 stars). 4 submissions from 4 submitters: Pathogenic (1). 3 of the submissions do not count toward it. Last evaluated 2016-09-08.

Conditions:
Hereditary cancer-predisposing syndrome. Also called: Tumor predisposition; Hereditary Cancer Syndrome; Neoplastic Syndromes, Hereditary; Hereditary neoplastic syndrome. Identifiers: Orphanet 140162, MedGen C0027672, MeSH D009386, MONDO:0015356.
Hereditary breast ovarian cancer syndrome. Also called: Hereditary breast and ovarian cancer; Breast and ovarian cancer; Hereditary breast and/or ovarian cancer syndrome; BRCA1- and BRCA2-Associated Hereditary Breast and Ovarian Cancer; Hereditary breast and ovarian cancer syndrome; Hereditary breast and ovarian cancer syndrome (HBOC). Identifiers: Orphanet 145, MedGen C0677776, MeSH D061325, MONDO:0003582. Disease mechanism: loss of function.
Breast-ovarian cancer, familial, susceptibility to, 2 (BROVCA2). Also called: BRCA2 Hereditary Breast and Ovarian Cancer. Identifiers: Orphanet 145, MedGen C2675520, MONDO:0012933, OMIM 612555. Disease mechanism: loss of function.

Submissions (4):

Evidence-based Network for the Interpretation of Germline Mutant Alleles (ENIGMA)
Classification: Pathogenic for Breast-ovarian cancer, familial, susceptibility to, 2. Last evaluated: 2016-09-08. Review status: reviewed by expert panel. Criteria: ENIGMA BRCA1/2 Classification Criteria (2015). Collection method: curation. Allele origin: germline.
Comment: Variant allele predicted to encode a truncated non-functional protein.

Color Diagnostics, LLC DBA Color Health
Classification: Pathogenic for Hereditary cancer-predisposing syndrome. Last evaluated: 2021-08-26. Review status: criteria provided, single submitter. Criteria: ACMG Guidelines, 2015. Collection method: clinical testing. Allele origin: germline. Not counted in ClinVar's aggregate classification.
Comment: This variant changes 1 nucleotide in exon 10 of the BRCA2 gene, creating a premature translation stop signal. This variant is expected to result in an absent or non-functional protein product. To our knowledge, this variant has not been reported in individuals affected with hereditary cancer in the literature. However, another variant resulting in the same premature stop codon (BRCA2 c.1325C>A, p.Ser442*), has been identified in 2 individuals with suspected hereditary breast or ovarian cancer (PMID: 21318380, 28324225). This variant has not been identified in the general population by the Genome Aggregation Database (gnomAD). Loss of BRCA2 function is a known mechanism of disease. Based on the available evidence, this variant is classified as Pathogenic.

Labcorp Genetics (formerly Invitae), Labcorp
Classification: Pathogenic for Hereditary breast ovarian cancer syndrome. Last evaluated: 2019-02-20. Review status: criteria provided, single submitter. Criteria: Invitae Variant Classification Sherloc (09022015). Collection method: clinical testing. Allele origin: germline. Not counted in ClinVar's aggregate classification.
Comment: For these reasons, this variant has been classified as Pathogenic. Loss-of-function variants in BRCA2 are known to be pathogenic (PMID: 20104584). This variant has been reported in individuals in the Leiden Open-source Variation Database (PMID: 21520333). ClinVar contains an entry for this variant (Variation ID: 254492). This variant is not present in population databases (ExAC no frequency). This sequence change creates a premature translational stop signal (p.Ser442*) in the BRCA2 gene. It is expected to result in an absent or disrupted protein product.

Ambry Genetics
Classification: Pathogenic for Hereditary cancer-predisposing syndrome. Last evaluated: 2018-08-28. Review status: criteria provided, single submitter. Criteria: Ambry Variant Classification Scheme 2023. Collection method: clinical testing. Allele origin: germline. Not counted in ClinVar's aggregate classification.
Comment: The p.S442* variant (also known as c.1325C>G), located in coding exon 9 of the BRCA2 gene, results from a C to G substitution at nucleotide position 1325. This changes the amino acid from a serine to a stop codon within coding exon 9. A different variant at this position (BRCA2 c.1325C>A p.S442*) has been reported in individuals with hereditary breast and/or ovarian cancer (Hansen TV et al. Fam. Cancer. 2011 Jun;10:207-12; Meisel C et al. Arch. Gynecol. Obstet. 2017 May;295:1227-1238). In addition to the clinical data presented in the literature, this alteration is expected to result in loss of function by premature protein truncation or nonsense-mediated mRNA decay. As such, this alteration is interpreted as a disease-causing mutation.

Literature cited by the submitters: PubMed 21318380 (cited by Color Diagnostics, LLC DBA Color Health and Ambry Genetics); PubMed 28324225 (cited by Color Diagnostics, LLC DBA Color Health and Ambry Genetics); PubMed 20104584 (cited by Labcorp Genetics (formerly Invitae), Labcorp); PubMed 21520333 (cited by Labcorp Genetics (formerly Invitae), Labcorp).